The following is an entry in ClinVar:

ClinVar aggregate classification (germline): Pathogenic (1 of 4 stars; one submission).

Conditions:
Hereditary cancer-predisposing syndrome. Also called: Hereditary Cancer Syndrome; Hereditary neoplastic syndrome; Neoplastic Syndromes, Hereditary; Tumor predisposition. Identifiers: Orphanet 140162, MedGen C0027672, MeSH D009386, MONDO:0015356.

Submission:

Ambry Genetics
Classification: Pathogenic for Hereditary cancer-predisposing syndrome. Last evaluated: 2017-01-18. Review status: criteria provided, single submitter. Criteria: Ambry Variant Classification Scheme 2023. Collection method: clinical testing. Allele origin: germline.
Comment: The c.1542dupT pathogenic mutation, located in coding exon 4 of the MSH6 gene, results from a duplication of T at nucleotide position 1542, causing a translational frameshift with a predicted alternate stop codon (p.R515*). This alteration is expected to result in loss of function by premature protein truncation or nonsense-mediated mRNA decay. As such, this alteration is interpreted as a disease-causing mutation.

NM_000179.3(MSH6):c.1542dup (p.Arg515Ter)

Gene: MSH6 (mutS homolog 6; plus strand). Cytogenetic location: 2p16.3.
Variant type: Duplication.
Coding change: c.1542dup on transcript NM_000179.3 (MANE Select); coding-DNA position 1542, one base duplicated (T; older notation c.1542dupT).
Protein change: p.Arg515Ter; replaces arginine 515 with a stop codon.
Molecular consequence: nonsense. On other transcripts: frameshift variant (36).
Genome position (GRCh38, 1-based): chr2:47,799,525, T duplicated. VCF-style (leftmost placement, unchanged base first): chr2-47799524-G-GT. GRCh37 (hg19) VCF-style: chr2-48026663-G-GT.
Other names: c.1152dup, p.Arg385Ter (NM_001281492.2); c.636dup, p.Arg213Ter (NM_001281493.2, NM_001281494.2); c.1638dup, p.Arg547Terfs (NM_001406795.1, NM_001406802.1); c.1542dup, p.Arg515Terfs (NM_001406796.1, NM_001406798.1, NM_001406800.1 and 4 more transcripts); c.1245dup, p.Arg416Terfs (NM_001406797.1, NM_001406801.1, NM_001406805.1 and 10 more transcripts); c.1017dup, p.Arg340Terfs (NM_001406799.1, NM_001406806.1, NM_001406807.1); c.1464dup, p.Arg489Terfs (NM_001406804.1); c.636dup, p.Arg213Terfs (NM_001406811.1, NM_001406812.1, NM_001406814.1 and 4 more transcripts); and 3 more; short protein forms R385*, R213*, R515*.
Identifiers: ClinVar variation 1774873 (VCV001774873.2), dbSNP rs2530615120, ClinGen allele CA2580067639.